The following is an entry in ClinVar:

NM_020821.3(VPS13C):c.1102A>G (p.Thr368Ala)

Gene: VPS13C (vacuolar protein sorting 13 homolog C; minus strand). Cytogenetic location: 15q22.2.
Variant type: single nucleotide variant.
Coding change: c.1102A>G on transcript NM_020821.3 (MANE Select); coding-DNA position 1102, A replaced by G.
Protein change: p.Thr368Ala; replaces threonine 368 with alanine.
Molecular consequence: missense variant.
Genome position (GRCh38, 1-based): chr15:62,008,671, T>C on the plus strand (A>G on the coding strand, the complement: VPS13C is on the minus strand). VCF-style: chr15-62008671-T-C. GRCh37 (hg19) VCF-style: chr15-62300870-T-C.
Other names: c.1102A>G, p.Thr368Ala (NM_001018088.3); c.973A>G, p.Thr325Ala (NM_017684.5, NM_018080.4); short protein forms T325A, T368A.
Identifiers: ClinVar variation 932179 (VCV000932179.7), dbSNP rs150098264, ClinGen allele CA7597219.

ClinVar aggregate classification (germline): Uncertain significance. Review status: criteria provided, multiple submitters, no conflicts (2 of 4 stars). 4 submissions from 4 submitters: Uncertain significance (4). Last evaluated 2024-06-06.

Conditions:
Autosomal recessive early-onset Parkinson disease 23. Identifiers: Orphanet 2828, MedGen C4225186, MONDO:0014796, OMIM 616840.

Allele frequency attached by ClinVar (database versions not stated): 1000 Genomes Project 30x 0.00016; 1000 Genomes Project 0.00020; ExAC 0.00026; gnomAD exomes 0.00036; TOPMed 0.00037; ESP Exome Variant Server 0.00038; gnomAD 0.00045 and 0.00046.

Submissions (4):

Labcorp Genetics (formerly Invitae), Labcorp
Classification: Uncertain significance. Last evaluated: 2024-06-06. Review status: criteria provided, single submitter. Criteria: Invitae Variant Classification Sherloc (09022015). Collection method: clinical testing. Allele origin: germline.
Comment: This sequence change replaces threonine, which is neutral and polar, with alanine, which is neutral and non-polar, at codon 368 of the VPS13C protein (p.Thr368Ala). This variant is present in population databases (rs150098264, gnomAD 0.1%). This variant has not been reported in the literature in individuals affected with VPS13C-related conditions. ClinVar contains an entry for this variant (Variation ID: 932179). Advanced modeling of protein sequence and biophysical properties (such as structural, functional, and spatial information, amino acid conservation, physicochemical variation, residue mobility, and thermodynamic stability) performed at Invitae indicates that this missense variant is not expected to disrupt VPS13C protein function with a negative predictive value of 80%. In summary, the available evidence is currently insufficient to determine the role of this variant in disease. Therefore, it has been classified as a Variant of Uncertain Significance.

Department of Pathology and Laboratory Medicine, Sinai Health System
Classification: Uncertain significance for Autosomal recessive early-onset Parkinson disease 23. Last evaluated: 2021-07-30. Review status: criteria provided, single submitter. Criteria: ACMG Guidelines, 2015. Collection method: research. Allele origin: germline.

Women's Health and Genetics/Laboratory Corporation of America, LabCorp
Classification: Uncertain significance. Last evaluated: 2020-05-13. Review status: criteria provided, single submitter. Criteria: LabCorp Variant Classification Summary - May 2015. Collection method: clinical testing. Allele origin: germline.
Comment: Variant summary: VPS13C c.1102A>G (p.Thr368Ala) results in a non-conservative amino acid change located in the Vacuolar protein sorting-associated protein 13, second N-terminal domain (IPR026854) of the encoded protein sequence. Four of five in-silico tools predict a benign effect of the variant on protein function. The variant allele was found at a frequency of 0.00035 in 248374 control chromosomes (gnomAD and Rudakou_2020). c.1102A>G has been reported in the literature in at least one individual affected with Early-Onset Parkinson Disease (Lesage_2016) as well as in a control individual (Rudakou_2020). These reports do not provide unequivocal conclusions about association of the variant with Parkinson Disease 23, Autosomal Recessive Early-Onset. To our knowledge, no experimental evidence demonstrating an impact on protein function has been reported. No clinical diagnostic laboratories have submitted clinical-significance assessments for this variant to ClinVar after 2014. Based on the evidence outlined above, the variant was classified as uncertain significance.

Breakthrough Genomics
Classification: Uncertain significance. Review status: criteria provided, single submitter. Criteria: ACMG Guidelines, 2015. Collection method: not provided. Allele origin: germline. Inheritance: Autosomal recessive inheritance. Affected: yes.

Literature cited by the submitters: PubMed 26942284 (cited by Women's Health and Genetics/Laboratory Corporation of America, LabCorp); PubMed 32042909 (cited by Women's Health and Genetics/Laboratory Corporation of America, LabCorp).